The following is an entry in ClinVar:

NM_006060.6(IKZF1):c.1356C>T (p.Val452=)

Gene: IKZF1 (IKAROS family zinc finger 1; plus strand). Cytogenetic location: 7p12.2.
Variant type: single nucleotide variant.
Coding change: c.1356C>T on transcript NM_006060.6 (MANE Select); coding-DNA position 1356, C replaced by T.
Protein change: p.Val452=; no amino-acid change (valine 452 retained).
Molecular consequence: synonymous variant.
Genome position (GRCh38, 1-based): chr7:50,400,423, C>T. VCF-style: chr7-50400423-C-T. GRCh37 (hg19) VCF-style: chr7-50468121-C-T.
Other names: c.1230C>T, p.Val410= (NM_001220765.3, NM_001291837.2); c.1065C>T, p.Val355= (NM_001220767.2); c.1095C>T, p.Val365= (NM_001220768.2, NM_001291838.2); c.939C>T, p.Val313= (NM_001220770.2); c.927C>T, p.Val309= (NM_001220771.2, NM_001291841.1); c.969C>T, p.Val323= (NM_001291839.2); c.666C>T, p.Val222= (NM_001291840.1); c.897C>T, p.Val299= (NM_001291842.1); and 3 more.
Identifiers: ClinVar variation 2700240 (VCV002700240.3), dbSNP rs777418288, ClinGen allele CA455161315.
Genomic context (GRCh38, chr7:50,400,423, plus strand): 5'-CCGCGCCTACGACCTGCTGCGCGCCGCCTCCGAGAACTCGCAGGACGCGCTCCGCGTGGT[C>T]AGCACCAGCGGGGAGCAGATGAAGGTGTACAAGTGCGAACACTGCCGGGTGCTCTTCCTG-3'
Protein context (NP_006051.1, residues 442-462): SENSQDALRV[Val452=]STSGEQMKVY

ClinVar aggregate classification (germline): Uncertain significance (1 of 4 stars; one submission).

Allele frequency attached by ClinVar (database versions not stated): gnomAD exomes below 0.00001.
gnomAD v4.1: 4 of 1,613,862 alleles (0.00025%); highest among the groups gnomAD compares: Non-Finnish European, 0.00034%; no homozygotes.

Submission:

Labcorp Genetics (formerly Invitae), Labcorp
Classification: Uncertain significance. Last evaluated: 2023-08-09. Review status: criteria provided, single submitter. Criteria: Invitae Variant Classification Sherloc (09022015). Collection method: clinical testing. Allele origin: germline.
Comment: Experimental studies and prediction algorithms are not available or were not evaluated, and the effect of this variant on mRNA splicing is currently unknown. This sequence change affects codon 452 of the IKZF1 mRNA. It is a 'silent' change, meaning that it does not change the encoded amino acid sequence of the IKZF1 protein. This variant is not present in population databases (gnomAD no frequency). This variant has not been reported in the literature in individuals affected with IKZF1-related conditions. In summary, the available evidence is currently insufficient to determine the role of this variant in disease. Therefore, it has been classified as a Variant of Uncertain Significance.